The following is an entry in ClinVar:

ClinVar aggregate classification (germline): Pathogenic/Likely pathogenic. Review status: criteria provided, multiple submitters, no conflicts (2 of 4 stars). 2 submissions from 2 submitters: Pathogenic (1); Likely pathogenic (1). Last evaluated 2023-07-18.

Conditions:
TCTN1-related disorder. Also called: TCTN1-related condition.
Joubert syndrome. Also called: Familial aplasia of the vermis; JOUBERT-BOLTSHAUSER SYNDROME. Identifiers: Orphanet 475, MedGen C5979921, MONDO:0018772.
Meckel-Gruber syndrome. Also called: DYSENCEPHALIA SPLANCHNOCYSTICA; Dysencephalia splachnocystica; GRUBER SYNDROME. Identifiers: Orphanet 564, MedGen C0265215, MONDO:0018921.

Submissions (2):

Labcorp Genetics (formerly Invitae), Labcorp
Classification: Pathogenic for Joubert syndrome; Meckel-Gruber syndrome. Last evaluated: 2023-07-18. Review status: criteria provided, single submitter. Criteria: Invitae Variant Classification Sherloc (09022015). Collection method: clinical testing. Allele origin: germline.
Comment: For these reasons, this variant has been classified as Pathogenic. Algorithms developed to predict the effect of sequence changes on RNA splicing suggest that this variant may disrupt the consensus splice site. ClinVar contains an entry for this variant (Variation ID: 1374980). This variant has not been reported in the literature in individuals affected with TCTN1-related conditions. This variant is not present in population databases (gnomAD no frequency). This sequence change creates a premature translational stop signal (p.His489Thrfs*26) in the TCTN1 gene. It is expected to result in an absent or disrupted protein product. Loss-of-function variants in TCTN1 are known to be pathogenic (PMID: 21725307, 22693042, 27894351).

Blueprint Genetics
Classification: Likely pathogenic for TCTN1-related disorders. Last evaluated: 2019-09-19. Review status: criteria provided, single submitter. Criteria: ACMG Guidelines, 2015. Collection method: clinical testing. Allele origin: germline. Affected: yes. Observed: 1 variant allele.

Literature cited by the submitters: PubMed 21725307 (cited by Labcorp Genetics (formerly Invitae), Labcorp); PubMed 22693042 (cited by Labcorp Genetics (formerly Invitae), Labcorp); PubMed 27894351 (cited by Labcorp Genetics (formerly Invitae), Labcorp).

NM_001082538.3(TCTN1):c.1465del (p.His489fs)

Gene: TCTN1 (tectonic family member 1; plus strand). Cytogenetic location: 12q24.11.
Variant type: Deletion.
Coding change: c.1465del on transcript NM_001082538.3 (MANE Select); coding-DNA position 1465, one base deleted (C; older notation c.1465delC).
Protein change: p.His489fs; shifts the reading frame from histidine 489.
Molecular consequence: frameshift variant. On other transcripts: non-coding transcript variant (1).
Genome position (GRCh38, 1-based): chr12:110,645,100, C deleted; the last of 2 consecutive C bases (chr12:110,645,099-110,645,100); deleting either gives the same sequence. VCF-style (leftmost placement, unchanged base first): chr12-110645098-TC-T. GRCh37 (hg19) VCF-style: chr12-111082903-TC-T.
Other names: c.1465del, p.His489fs (NM_001082537.3); c.1297del, p.His433fs (NM_001173975.3); c.1138del, p.His380fs (NM_001173976.2); c.1318del, p.His440fs (NM_001319680.2); c.931del, p.His311fs (NM_001319681.2); c.1423del, p.His475fs (NM_024549.6); short protein forms H311fs, H440fs, H475fs, H380fs, H433fs, H489fs.
Identifiers: ClinVar variation 1374980 (VCV001374980.7), dbSNP rs2136172776, ClinGen allele CA2573148001.
Genomic context (GRCh38, chr12:110,645,098, plus strand): 5'-CAGATTACGTGGCCCCTTTTGGAAATTCCCAGGCCCAGGACATGCTGGACTGGGTGCCCA[TC>T]CACTTCATCACCCAGTCATTCAACAGGAAGGTAAAGGGGAGAAGGTACAGGTTCCATGCT-3'